The following is an entry in ClinVar:

ClinVar aggregate classification (germline): Uncertain significance (1 of 4 stars; one submission).

Allele frequency attached by ClinVar (database versions not stated): gnomAD exomes below 0.00001; gnomAD 0.00002.
gnomAD v4.1: 6 of 1,612,878 alleles (0.00037%); highest among the groups gnomAD compares: Admixed American, 0.0017%; no homozygotes.

Submission:

Labcorp Genetics (formerly Invitae), Labcorp
Classification: Uncertain significance. Last evaluated: 2024-01-22. Review status: criteria provided, single submitter. Criteria: Invitae Variant Classification Sherloc (09022015). Collection method: clinical testing. Allele origin: germline.
Comment: This sequence change replaces histidine, which is basic and polar, with arginine, which is basic and polar, at codon 253 of the C1S protein (p.His253Arg). This variant is not present in population databases (gnomAD no frequency). This variant has not been reported in the literature in individuals affected with C1S-related conditions. ClinVar contains an entry for this variant (Variation ID: 1371938). Advanced modeling of protein sequence and biophysical properties (such as structural, functional, and spatial information, amino acid conservation, physicochemical variation, residue mobility, and thermodynamic stability) performed at Invitae indicates that this missense variant is not expected to disrupt C1S protein function with a negative predictive value of 80%. In summary, the available evidence is currently insufficient to determine the role of this variant in disease. Therefore, it has been classified as a Variant of Uncertain Significance.

NM_001734.5(C1S):c.758A>G (p.His253Arg)

Gene: C1S (complement C1s; plus strand). Cytogenetic location: 12p13.31.
Variant type: single nucleotide variant.
Coding change: c.758A>G on transcript NM_001734.5 (MANE Select); coding-DNA position 758, A replaced by G.
Protein change: p.His253Arg; replaces histidine 253 with arginine.
Molecular consequence: missense variant.
Genome position (GRCh38, 1-based): chr12:7,065,857, A>G. VCF-style: chr12-7065857-A-G. GRCh37 (hg19) VCF-style: chr12-7173161-A-G.
Other names: c.257A>G, p.His86Arg (NM_001346850.2); c.758A>G, p.His253Arg (NM_201442.4); short protein forms H253R, H86R.
Identifiers: ClinVar variation 1371938 (VCV001371938.6), dbSNP rs1947167978, ClinGen allele CA383696986.